The following is an entry in ClinVar:

NM_004064.5(CDKN1B):c.301G>T (p.Val101Leu)

Gene: CDKN1B (cyclin dependent kinase inhibitor 1B; plus strand). Cytogenetic location: 12p13.1.
Variant type: single nucleotide variant.
Coding change: c.301G>T on transcript NM_004064.5 (MANE Select); coding-DNA position 301, G replaced by T.
Protein change: p.Val101Leu; replaces valine 101 with leucine.
Molecular consequence: missense variant.
Genome position (GRCh38, 1-based): chr12:12,718,140, G>T. VCF-style: chr12-12718140-G-T. GRCh37 (hg19) VCF-style: chr12-12871074-G-T.
Other names: short protein forms V101L.
Identifiers: ClinVar variation 4633505 (VCV004633505.1).

ClinVar aggregate classification (germline): Uncertain significance (1 of 4 stars; one submission).

Conditions:
Hereditary cancer-predisposing syndrome. Also called: Neoplastic Syndromes, Hereditary; Tumor predisposition; Hereditary Cancer Syndrome; Hereditary neoplastic syndrome. Identifiers: Orphanet 140162, MedGen C0027672, MeSH D009386, MONDO:0015356.

Submission:

Ambry Genetics
Classification: Uncertain significance for Hereditary cancer-predisposing syndrome. Last evaluated: 2025-11-22. Review status: criteria provided, single submitter. Criteria: Ambry Variant Classification Scheme 2023. Collection method: clinical testing. Allele origin: germline.
Comment: The p.V101L variant (also known as c.301G>T), located in coding exon 1 of the CDKN1B gene, results from a G to T substitution at nucleotide position 301. The valine at codon 101 is replaced by leucine, an amino acid with highly similar properties. This amino acid position is conserved. In addition, this alteration is predicted to be tolerated by in silico analysis. Based on the available evidence, the clinical significance of this variant remains unclear.